The following is an entry in ClinVar:

NM_052876.4(NACC1):c.1502C>A (p.Pro501Gln)

Gene: NACC1 (nucleus accumbens associated 1; plus strand). Cytogenetic location: 19p13.13.
Variant type: single nucleotide variant.
Coding change: c.1502C>A on transcript NM_052876.4 (MANE Select); coding-DNA position 1502, C replaced by A.
Protein change: p.Pro501Gln; replaces proline 501 with glutamine.
Molecular consequence: missense variant.
Genome position (GRCh38, 1-based): chr19:13,138,324, C>A. VCF-style: chr19-13138324-C-A. GRCh37 (hg19) VCF-style: chr19-13249138-C-A.
Other names: short protein forms P501Q.
Identifiers: ClinVar variation 2580718 (VCV002580718.1), dbSNP rs777255536, ClinGen allele CA404330257.

ClinVar aggregate classification (germline): Uncertain significance (1 of 4 stars; one submission).

gnomAD v4.1: 1 of 1,614,104 alleles (0.000062%); highest among the groups gnomAD compares: Non-Finnish European, 0.000085%; no homozygotes.

Submission:

GeneDx
Classification: Uncertain significance. Last evaluated: 2023-03-25. Review status: criteria provided, single submitter. Criteria: GeneDx Variant Classification Process June 2021. Collection method: clinical testing. Allele origin: germline. Affected: yes.
Comment: Not observed at significant frequency in large population cohorts (gnomAD); In silico analysis supports that this missense variant does not alter protein structure/function; Has not been previously published as pathogenic or benign to our knowledge